The following is an entry in ClinVar:

NM_000053.4(ATP7B):c.1583C>G (p.Ala528Gly)

Gene: ATP7B (ATPase copper transporting beta; minus strand). Cytogenetic location: 13q14.3.
Variant type: single nucleotide variant.
Coding change: c.1583C>G on transcript NM_000053.4 (MANE Select); coding-DNA position 1583, C replaced by G.
Protein change: p.Ala528Gly; replaces alanine 528 with glycine.
Molecular consequence: missense variant. On other transcripts: intron variant (1).
Genome position (GRCh38, 1-based): chr13:51,968,568, G>C on the plus strand (C>G on the coding strand, the complement: ATP7B is on the minus strand). VCF-style: chr13-51968568-G-C. GRCh37 (hg19) VCF-style: chr13-52542704-G-C.
Other names: p.Ala528Gly; c.1583C>G, p.Ala528Gly (NM_001005918.3, NM_001330578.2, NM_001330579.2 and 26 more transcripts); c.1250C>G, p.Ala417Gly (NM_001243182.2); c.1550C>G, p.Ala517Gly (NM_001406524.1, NM_001406514.1); c.1487C>G, p.Ala496Gly (NM_001406530.1, NM_001406543.1, NM_001406544.1 and 3 more transcripts); c.1285+5367C>G (NM_001406548.1); c.1154C>G, p.Ala385Gly (NM_001406539.1); short protein forms A385G, A417G, A496G, A517G, A528G.
Identifiers: ClinVar variation 3069922 (VCV003069922.3), dbSNP rs1482771524, ClinGen allele CA388033311.
Genomic context (GRCh38, chr13:51,968,568, plus strand): 5'-TCCTGGATGAACTGAGCTATCTCGAGGGGCTGGATGACCTCTGGGTCATACTTGATCTCT[G>C]CCTTTCCTGCCATCAAGGCAACCAACACGGAGAGAACACCTGGAACCATCAGGTCATGGC-3'
Protein context (NP_000044.2, residues 518-538): SVLVALMAGK[Ala528Gly]EIKYDPEVIQ

ClinVar aggregate classification (germline): Uncertain significance. Review status: criteria provided, multiple submitters, no conflicts (2 of 4 stars). 2 submissions from 2 submitters: Uncertain significance (2). Last evaluated 2024-04-16.

Conditions:
Wilson disease (WND). Also called: Wilson's disease. Identifiers: Orphanet 905, MedGen C0019202, MONDO:0010200, OMIM 277900. Disease mechanism: loss of function.

Allele frequency attached by ClinVar (database versions not stated): gnomAD exomes below 0.00001; TOPMed 0.00002; gnomAD 0.00003.

Submissions (2):

All of Us Research Program, National Institutes of Health
Classification: Uncertain significance for Wilson disease. Last evaluated: 2024-04-16. Review status: criteria provided, single submitter. Criteria: ACMG Guidelines, 2015. Collection method: clinical testing. Allele origin: germline. Inheritance: Autosomal recessive inheritance. Observed: 2 variant alleles, 2 heterozygotes.
Comment: This missense variant replaces alanine with glycine at codon 528 of the ATP7B protein. Computational prediction is inconclusive regarding the impact of this variant on protein structure and function (internally defined REVEL score threshold 0.5 < inconclusive < 0.7, PMID: 27666373). To our knowledge, functional studies have not been reported for this variant. This variant has not been reported in individuals affected with ATP7B-related disorders in the literature. This variant has been identified in 2/280770 chromosomes in the general population by the Genome Aggregation Database (gnomAD). The available evidence is insufficient to determine the role of this variant in disease conclusively. Therefore, this variant is classified as a Variant of Uncertain Significance.

This study involves interpretation of variants in research participants for the purpose of population health screening. Participant phenotype was not available at the time of variant classification. Additional details can be found in publication PMID: 35346344, PMCID: PMC8962531

Mayo Clinic Laboratories, Mayo Clinic
Classification: Uncertain significance. Last evaluated: 2024-01-16. Review status: criteria provided, single submitter. Criteria: ACMG Guidelines, 2015. Collection method: clinical testing. Allele origin: germline. Observed: 1 variant allele.
Comment: PM2_moderate